The following is an entry in ClinVar:

NM_001252024.2(TRPM1):c.1402G>C (p.Glu468Gln)

Gene: TRPM1 (transient receptor potential cation channel subfamily M member 1; minus strand). Cytogenetic location: 15q13.3.
Variant type: single nucleotide variant.
Coding change: c.1402G>C on transcript NM_001252024.2 (MANE Select); coding-DNA position 1402, G replaced by C.
Protein change: p.Glu468Gln; replaces glutamic acid 468 with glutamine.
Molecular consequence: missense variant.
Genome position (GRCh38, 1-based): chr15:31,050,444, C>G on the plus strand (G>C on the coding strand, the complement: TRPM1 is on the minus strand). VCF-style: chr15-31050444-C-G. GRCh37 (hg19) VCF-style: chr15-31342647-C-G.
Other names: c.1453G>C (NM_001252020.1); c.1336G>C (NM_002420.4); c.1453G>C, p.Glu485Gln (NM_001252020.2); c.1336G>C, p.Glu446Gln (NM_002420.6); short protein forms E468Q, E485Q, E446Q.
Identifiers: ClinVar variation 848594 (VCV000848594.7), dbSNP rs935188103, ClinGen allele CA267482187.
Genomic context (GRCh38, chr15:31,050,444, plus strand): 5'-GTGATCTCTGTGACCTTCCACATACCCAGTTCAGCAGCTCTATCTTCCGGGGGTCAGTTT[C>G]TTCCTCCACTTCCTCTTTCACTTTCCCTTTCTTCTTGCCTTTCCCTTTTCCTCTTCCTCC-3'
Protein context (NP_001238953.1, residues 458-478): KGKVKEEVEE[Glu468Gln]TDPRKIELLN

ClinVar aggregate classification (germline): Uncertain significance. Review status: criteria provided, multiple submitters, no conflicts (2 of 4 stars). 3 submissions from 3 submitters: Uncertain significance (3). Last evaluated 2025-10-19.

Conditions:
Inborn genetic diseases. Identifiers: MedGen C0950123, MeSH D030342.
TRPM1-related disorder. Also called: TRPM1-related condition.

Allele frequency attached by ClinVar (database versions not stated): gnomAD exomes below 0.00001; gnomAD 0.00003 and 0.00004; TOPMed 0.00011.
gnomAD v4.1: 8 of 1,613,874 alleles (0.0005%); highest among the groups gnomAD compares: Admixed American, 0.01%; no homozygotes.

Submissions (3):

PreventionGenetics, part of Exact Sciences
Classification: Uncertain significance for TRPM1-related condition. Last evaluated: 2025-10-19. Review status: criteria provided, single submitter. Criteria: ACMG Guidelines, 2015. Collection method: clinical testing. Allele origin: germline.
Comment: The TRPM1 c.1453G>C variant is predicted to result in the amino acid substitution p.Glu485Gln. To our knowledge, this variant has not been reported in the literature or in a large population database (gnomAD), indicating this variant is rare. At this time, the clinical significance of this variant is uncertain due to the absence of conclusive functional and genetic evidence.

Ambry Genetics
Classification: Uncertain significance for Inborn genetic diseases. Last evaluated: 2023-10-20. Review status: criteria provided, single submitter. Criteria: Ambry Variant Classification Scheme 2023. Collection method: clinical testing. Allele origin: germline.

Labcorp Genetics (formerly Invitae), Labcorp
Classification: Uncertain significance. Last evaluated: 2022-07-21. Review status: criteria provided, single submitter. Criteria: Invitae Variant Classification Sherloc (09022015). Collection method: clinical testing. Allele origin: germline.
Comment: This sequence change replaces glutamic acid, which is acidic and polar, with glutamine, which is neutral and polar, at codon 446 of the TRPM1 protein (p.Glu446Gln). In summary, the available evidence is currently insufficient to determine the role of this variant in disease. Therefore, it has been classified as a Variant of Uncertain Significance. Algorithms developed to predict the effect of missense changes on protein structure and function are either unavailable or do not agree on the potential impact of this missense change (SIFT: "Deleterious"; PolyPhen-2: "Possibly Damaging"; Align-GVGD: "Class C0"). ClinVar contains an entry for this variant (Variation ID: 848594). This variant has not been reported in the literature in individuals affected with TRPM1-related conditions. This variant is not present in population databases (gnomAD no frequency).